The following is an entry in ClinVar:

NM_052867.4(NALCN):c.2195C>T (p.Ala732Val)

Gene: NALCN (sodium leak channel, non-selective; minus strand). Cytogenetic location: 13q33.1.
Variant type: single nucleotide variant.
Coding change: c.2195C>T on transcript NM_052867.4 (MANE Select); coding-DNA position 2195, C replaced by T.
Protein change: p.Ala732Val; replaces alanine 732 with valine.
Molecular consequence: missense variant.
Genome position (GRCh38, 1-based): chr13:101,111,224, G>A on the plus strand (C>T on the coding strand, the complement: NALCN is on the minus strand). VCF-style: chr13-101111224-G-A. GRCh37 (hg19) VCF-style: chr13-101763575-G-A.
Other names: c.2282C>T, p.Ala761Val (NM_001350748.2); c.2195C>T, p.Ala732Val (NM_001350749.2); c.2108C>T, p.Ala703Val (NM_001350750.2, NM_001350751.2); short protein forms A703V, A732V, A761V.
Identifiers: ClinVar variation 2434032 (VCV002434032.31), dbSNP rs2502216542, ClinGen allele CA388671101.

ClinVar aggregate classification (germline): Uncertain significance. Review status: criteria provided, multiple submitters, no conflicts (2 of 4 stars). 2 submissions from 2 submitters: Uncertain significance (2). Last evaluated 2023-08-01.

gnomAD v4.1: 1 of 1,581,152 alleles (0.000063%); no homozygotes.

Submissions (2):

CeGaT Center for Human Genetics Tuebingen
Classification: Uncertain significance. Last evaluated: 2023-08-01. Review status: criteria provided, single submitter. Criteria: CeGaT Center For Human Genetics Tuebingen Variant Classification Criteria Version 2. Collection method: clinical testing. Allele origin: germline. Affected: yes. Observed: 2 variant alleles.
Comment: NALCN: PM2, PP2, PP3

Revvity Omics, Revvity
Classification: Uncertain significance. Last evaluated: 2021-04-20. Review status: criteria provided, single submitter. Criteria: ACMG Guidelines, 2015. Collection method: clinical testing. Allele origin: germline.